The following is an entry in ClinVar:

NM_004999.4(MYO6):c.2779A>G (p.Arg927Gly)

Gene: MYO6 (myosin VI; plus strand). Cytogenetic location: 6q14.1.
Variant type: single nucleotide variant.
Coding change: c.2779A>G on transcript NM_004999.4 (MANE Select); coding-DNA position 2779, A replaced by G.
Protein change: p.Arg927Gly; replaces arginine 927 with glycine.
Molecular consequence: missense variant. On other transcripts: non-coding transcript variant (1).
Genome position (GRCh38, 1-based): chr6:75,890,177, A>G. VCF-style: chr6-75890177-A-G. GRCh37 (hg19) VCF-style: chr6-76599894-A-G.
Other names: c.2779A>G, p.Arg927Gly (NM_001300899.2, NM_001368136.1, NM_001368137.1 and 2 more transcripts); c.2764A>G, p.Arg922Gly (NM_001368138.1); short protein forms R922G, R927G.
Identifiers: ClinVar variation 667280 (VCV000667280.4), dbSNP rs986223790, ClinGen allele CA141086580.

ClinVar aggregate classification (germline): Uncertain significance (1 of 4 stars; one submission).

Allele frequency attached by ClinVar (database versions not stated): TOPMed below 0.00001; gnomAD exomes 0.00001.
gnomAD v4.1: 3 of 1,612,766 alleles (0.00019%); highest among the groups gnomAD compares: Non-Finnish European, 0.00025%; no homozygotes.

Submission:

Laboratory for Molecular Medicine, Mass General Brigham Personalized Medicine
Classification: Uncertain significance. Last evaluated: 2018-09-21. Review status: criteria provided, single submitter. Criteria: LMM Criteria. Collection method: clinical testing. Allele origin: germline. Observed: 2 variant alleles.
Comment: The p.Arg927Gly variant in MYO6 has not been previously reported in individuals with hearing loss and was absent from large population studies. Computational pr ediction tools and conservation analysis do not provide strong support for or ag ainst an impact to the protein. In summary, the clinical significance of this va riant is uncertain. ACMG/AMP Criteria applied: PM2.